The following is an entry in ClinVar:

NM_020822.3(KCNT1):c.910T>C (p.Ser304Pro)

Gene: KCNT1 (potassium sodium-activated channel subfamily T member 1; plus strand). Cytogenetic location: 9q34.3.
Variant type: single nucleotide variant.
Coding change: c.910T>C on transcript NM_020822.3 (MANE Select); coding-DNA position 910, T replaced by C.
Protein change: p.Ser304Pro; replaces serine 304 with proline.
Molecular consequence: missense variant.
Genome position (GRCh38, 1-based): chr9:135,759,734, T>C. VCF-style: chr9-135759734-T-C. GRCh37 (hg19) VCF-style: chr9-138651580-T-C.
Other names: c.775T>C, p.Ser259Pro (NM_001272003.2); short protein forms S259P, S304P.
Identifiers: ClinVar variation 3756159 (VCV003756159.2).

ClinVar aggregate classification (germline): Uncertain significance (1 of 4 stars; one submission).

Conditions:
Autosomal dominant nocturnal frontal lobe epilepsy 5. Also called: KCNT1-Related Epilepsy; CILIARY DYSKINESIA, PRIMARY, 28, WITHOUT SITUS INVERSUS; CILIARY DYSKINESIA, PRIMARY, 28, WITH SITUS INVERSUS; Epilepsy, nocturnal frontal lobe, 5. Identifiers: Orphanet 98784, MedGen C3554306, MONDO:0014002, OMIM 615005.
Developmental and epileptic encephalopathy, 14 (DEE14). Also called: Early infantile epileptic encephalopathy 14. Identifiers: Orphanet 293181, MedGen C3554195, MONDO:0013989, OMIM 614959.

Submission:

Labcorp Genetics (formerly Invitae), Labcorp
Classification: Uncertain significance for Autosomal dominant nocturnal frontal lobe epilepsy 5; Developmental and epileptic encephalopathy, 14. Last evaluated: 2024-05-02. Review status: criteria provided, single submitter. Criteria: Invitae Variant Classification Sherloc (09022015). Collection method: clinical testing. Allele origin: germline.
Comment: This sequence change replaces serine, which is neutral and polar, with proline, which is neutral and non-polar, at codon 304 of the KCNT1 protein (p.Ser304Pro). This variant is not present in population databases (gnomAD no frequency). This variant has not been reported in the literature in individuals affected with KCNT1-related conditions. Advanced modeling of protein sequence and biophysical properties (such as structural, functional, and spatial information, amino acid conservation, physicochemical variation, residue mobility, and thermodynamic stability) has been performed at Invitae for this missense variant, however the output from this modeling did not meet the statistical confidence thresholds required to predict the impact of this variant on KCNT1 protein function. In summary, the available evidence is currently insufficient to determine the role of this variant in disease. Therefore, it has been classified as a Variant of Uncertain Significance.